The following is an entry in ClinVar:

ClinVar aggregate classification (germline): Conflicting classifications of pathogenicity. Review status: criteria provided, conflicting classifications (1 of 4 stars). 5 submissions from 5 submitters: Pathogenic (1); Uncertain significance (4). Last evaluated 2026-01-13.

Conditions:
Dilated cardiomyopathy 1O (CMD1O). Also called: CARDIOMYOPATHY, DILATED, WITH VENTRICULAR TACHYCARDIA. Identifiers: Orphanet 154, MedGen C1837839, MONDO:0012062, OMIM 608569.
Intellectual disability and myopathy syndrome (IDMYS). Identifiers: MedGen C5676904, MONDO:0859224, OMIM 619719.
Atrial fibrillation, familial, 12 (ATFB12). Identifiers: MedGen C3279695, MONDO:0013545, OMIM 614050.
Hypertrichotic osteochondrodysplasia Cantu type. Also called: Cantú Syndrome; Cantu Syndrome. Identifiers: Orphanet 1517, MedGen C0795905, MONDO:0009406, OMIM 239850.
Cardiovascular phenotype. Identifiers: MedGen CN230736.

gnomAD v4.1: 13 of 1,613,708 alleles (0.00081%); highest among the groups gnomAD compares: South Asian, 0.0022%; no homozygotes.

Submissions (5):

Labcorp Genetics (formerly Invitae), Labcorp
Classification: Pathogenic for Dilated cardiomyopathy 1O. Last evaluated: 2026-01-13. Review status: criteria provided, single submitter. Criteria: Invitae Variant Classification Sherloc (09022015). Collection method: clinical testing. Allele origin: germline.
Comment: This sequence change creates a premature translational stop signal (p.Arg824*) in the ABCC9 gene. It is expected to result in an absent or disrupted protein product. Loss-of-function variants in ABCC9 are known to be pathogenic (PMID: 31575858, 38217872). This variant is present in population databases (no rsID available, gnomAD 0.003%). This variant has not been reported in the literature in individuals affected with ABCC9-related conditions. ClinVar contains an entry for this variant (Variation ID: 393177). For these reasons, this variant has been classified as Pathogenic.

AiLife Diagnostics
Classification: Uncertain significance. Last evaluated: 2021-12-28. Review status: criteria provided, single submitter. Criteria: ACMG Guidelines, 2015. Collection method: clinical testing. Allele origin: germline. Affected: yes. Observed: 1 variant allele.

Ambry Genetics
Classification: Uncertain significance for Cardiovascular phenotype. Last evaluated: 2021-09-10. Review status: criteria provided, single submitter. Criteria: Ambry Variant Classification Scheme 2023. Collection method: clinical testing. Allele origin: germline.
Comment: The p.R824* variant (also known as c.2470C>T), located in coding exon 20 of the ABCC9 gene, results from a C to T substitution at nucleotide position 2470. This changes the amino acid from an arginine to a stop codon within coding exon 20. This alteration is expected to result in premature protein truncation or nonsense-mediated mRNA decay. However, loss of function of ABCC9 has not been clearly established as a mechanism of disease. Since supporting evidence is limited at this time, the clinical significance of this alteration remains unclear.

GeneDx
Classification: Uncertain significance. Last evaluated: 2017-01-25. Review status: criteria provided, single submitter. Criteria: GeneDx Variant Classification (06012015). Collection method: clinical testing. Allele origin: germline. Affected: yes.
Comment: The R824X variant in the ABCC9 gene has not been published as pathogenic or been reported as benign to our knowledge. The R824X variant was not observed in large population cohorts. R824X is predicted to cause loss of normal protein function either by protein truncation or nonsense-mediated mRNA decay. However, the majority of variants reported in the ABCC9 gene are missense changes (Stenson et al., 2014), indicating that haploinsufficiency of ABCC9 may not be sufficient to cause disease.

Center for Genomics, Ann and Robert H. Lurie Children's Hospital of Chicago
Classification: Uncertain significance for Dilated cardiomyopathy 1O; Hypertrichotic osteochondrodysplasia Cantu type; Atrial fibrillation, familial, 12; Intellectual disability and myopathy syndrome. Review status: criteria provided, single submitter. Criteria: ACMG Guidelines, 2015. Collection method: clinical testing. Allele origin: germline.
Comment: ABCC9 NM_005691.3 exon 20 p.Arg824* (c.2470C>T): This variant has not been reported in the literature and is present in 0.002% (1/34568) of Latino alleles in the Genome Aggregation Database. This variant is present in ClinVar (Variation ID:393177). Evolutionary conservation and computational predictive tools for this variant are limited or unavailable. This variant is predicted to cause a stopgain at this codon, resulting in protein truncation or loss of allelic expression through nonsense-mediated mRNA decay. However, there is insufficient evidence to establish loss of function (LOF) as a known mechanism of disease for this gene. In summary, data on this variant is insufficient for disease classification. Therefore, the clinical significance of this variant is uncertain.

Literature cited by the submitters: PubMed 31575858 (cited by Labcorp Genetics (formerly Invitae), Labcorp); PubMed 38217872 (cited by Labcorp Genetics (formerly Invitae), Labcorp).

NM_020297.4(ABCC9):c.2470C>T (p.Arg824Ter)

Gene: ABCC9 (ATP binding cassette subfamily C member 9; minus strand). Cytogenetic location: 12p12.1.
Variant type: single nucleotide variant.
Coding change: c.2470C>T on transcript NM_020297.4 (MANE Select); coding-DNA position 2470, C replaced by T.
Protein change: p.Arg824Ter; replaces arginine 824 with a stop codon.
Molecular consequence: nonsense.
Genome position (GRCh38, 1-based): chr12:21,859,621, G>A on the plus strand (C>T on the coding strand, the complement: ABCC9 is on the minus strand). VCF-style: chr12-21859621-G-A. GRCh37 (hg19) VCF-style: chr12-22012555-G-A.
Other names: c.2470C>T, p.Arg824Ter (NM_001377273.1, NM_005691.4); c.1603C>T, p.Arg535Ter (NM_001377274.1); short protein forms R824*, R535*.
Identifiers: ClinVar variation 393177 (VCV000393177.11), dbSNP rs779866340, ClinGen allele CA16607197.